The following is an entry in ClinVar:

ClinVar aggregate classification (germline): Likely benign. Review status: criteria provided, multiple submitters, no conflicts (2 of 4 stars). 4 submissions from 4 submitters: Likely benign (4). Last evaluated 2026-03-20.

Conditions:
ACTN2-related disorder. Also called: ACTN2 related condition; ACTN2-related disorders.
Cardiovascular phenotype. Identifiers: MedGen CN230736.
Primary familial hypertrophic cardiomyopathy (HCM). Identifiers: Orphanet 99739, MedGen C0949658, MeSH D024741, MONDO:0024573. Inheritance: Various modes of inheritance.
Dilated cardiomyopathy 1AA (CMD1AA). Also called: CARDIOMYOPATHY, DILATED, 1AA, WITH OR WITHOUT LEFT VENTRICULAR NONCOMPACTION; CARDIOMYOPATHY, FAMILIAL HYPERTROPHIC, 23, WITH OR WITHOUT LEFT VENTRICULAR NONCOMPACTION; Cardiomyopathy, dilated, 1AA, with or without LVNC. Identifiers: Orphanet 154, MedGen C2677338, MONDO:0012808, OMIM 612158.
Cardiomyopathy (CMYO). Also called: Cardiomyopathies. Identifiers: Orphanet 167848, MedGen C0878544, MONDO:0004994, HP:0001638. Inheritance: Various modes of inheritance.

Allele frequency attached by ClinVar (database versions not stated): ExAC 0.00001; gnomAD 0.00001 and 0.00002; gnomAD exomes 0.00001; TOPMed 0.00001.
gnomAD v4.1: 12 of 1,557,616 alleles (0.00077%); highest among the groups gnomAD compares: South Asian, 0.0035%; no homozygotes.

Submissions (4):

PreventionGenetics, part of Exact Sciences
Classification: Likely benign for ACTN2-related condition. Last evaluated: 2026-03-20. Review status: criteria provided, single submitter. Criteria: ACMG Guidelines, 2015. Collection method: clinical testing. Allele origin: germline.
Comment: This variant is classified as likely benign based on ACMG/AMP sequence variant interpretation guidelines (Richards et al. 2015 PMID: 25741868, with internal and published modifications).

Labcorp Genetics (formerly Invitae), Labcorp
Classification: Likely benign for Primary familial hypertrophic cardiomyopathy; Dilated cardiomyopathy 1AA. Last evaluated: 2025-02-18. Review status: criteria provided, single submitter. Criteria: Invitae Variant Classification Sherloc (09022015). Collection method: clinical testing. Allele origin: germline.

Ambry Genetics
Classification: Likely benign for Cardiovascular phenotype. Last evaluated: 2021-04-13. Review status: criteria provided, single submitter. Criteria: Ambry Variant Classification Scheme 2023. Collection method: clinical testing. Allele origin: germline.

CHEO Genetics Diagnostic Laboratory, Children's Hospital of Eastern Ontario
Classification: Likely benign for Cardiomyopathy. Last evaluated: 2019-09-20. Review status: criteria provided, single submitter. Criteria: ACMG Guidelines, 2015. Collection method: clinical testing. Allele origin: germline.

NM_001103.4(ACTN2):c.66G>A (p.Gln22=)

Gene: ACTN2 (actinin alpha 2; plus strand). Cytogenetic location: 1q43.
Variant type: single nucleotide variant.
Coding change: c.66G>A on transcript NM_001103.4 (MANE Select); coding-DNA position 66, G replaced by A.
Protein change: p.Gln22=; no amino-acid change (glutamine 22 retained).
Molecular consequence: synonymous variant. On other transcripts: 5 prime UTR variant (1).
Genome position (GRCh38, 1-based): chr1:236,686,739, G>A. VCF-style: chr1-236686739-G-A. GRCh37 (hg19) VCF-style: chr1-236850039-G-A.
Other names: c.66G>A, p.Gln22= (NM_001278343.2); c.-756G>A (NM_001278344.2).
Identifiers: ClinVar variation 463214 (VCV000463214.16), dbSNP rs761544833, ClinGen allele CA1472700.
Genomic context (GRCh38, chr1:236,686,739, plus strand): 5'-CCAGATAGAGCCCGGCGTGCAGTACAACTACGTGTACGACGAGGATGAGTACATGATCCA[G>A]GAGGAGGAGTGGGACCGCGACCTGCTCCTGGACCCAGCCTGGGAGAAGCAGCAGAGGAAG-3'
Protein context (NP_001094.1, residues 12-32): YVYDEDEYMI[Gln22=]EEEWDRDLLL